The following is an entry in ClinVar:

NM_030665.4(RAI1):c.2374G>A (p.Gly792Ser)

Gene: RAI1 (retinoic acid induced 1; plus strand). Cytogenetic location: 17p11.2.
Variant type: single nucleotide variant.
Coding change: c.2374G>A on transcript NM_030665.4 (MANE Select); coding-DNA position 2374, G replaced by A.
Protein change: p.Gly792Ser; replaces glycine 792 with serine.
Molecular consequence: missense variant.
Genome position (GRCh38, 1-based): chr17:17,795,322, G>A. VCF-style: chr17-17795322-G-A. GRCh37 (hg19) VCF-style: chr17-17698636-G-A.
Other names: short protein forms G792S.
Identifiers: ClinVar variation 2481806 (VCV002481806.6), dbSNP rs768100354, ClinGen allele CA8418523.

ClinVar aggregate classification (germline): Uncertain significance. Review status: criteria provided, multiple submitters, no conflicts (2 of 4 stars). 3 submissions from 3 submitters: Uncertain significance (3). Last evaluated 2025-12-23.

Conditions:
RAI1-related disorder. Also called: RAI1-related condition.
Inborn genetic diseases. Identifiers: MedGen C0950123, MeSH D030342.

Allele frequency attached by ClinVar (database versions not stated): ExAC 0.00001; gnomAD exomes 0.00002.
gnomAD v4.1: 26 of 1,604,688 alleles (0.0016%); highest among the groups gnomAD compares: South Asian, 0.0055%; no homozygotes.

Submissions (3):

PreventionGenetics, part of Exact Sciences
Classification: Uncertain significance for RAI1-related condition. Last evaluated: 2025-12-23. Review status: criteria provided, single submitter. Criteria: ACMG Guidelines, 2015. Collection method: clinical testing. Allele origin: germline.
Comment: The RAI1 c.2374G>A variant is predicted to result in the amino acid substitution p.Gly792Ser. To our knowledge, this variant has not been reported in the literature. This variant is reported in 0.0033% of alleles in individuals of South Asian descent in gnomAD. At this time, the clinical significance of this variant is uncertain due to the absence of conclusive functional and genetic evidence.

Ambry Genetics
Classification: Uncertain significance for Inborn genetic diseases. Last evaluated: 2023-02-07. Review status: criteria provided, single submitter. Criteria: Ambry Variant Classification Scheme 2023. Collection method: clinical testing. Allele origin: germline.

Labcorp Genetics (formerly Invitae), Labcorp
Classification: Uncertain significance. Last evaluated: 2023-01-28. Review status: criteria provided, single submitter. Criteria: Invitae Variant Classification Sherloc (09022015). Collection method: clinical testing. Allele origin: germline.
Comment: In summary, the available evidence is currently insufficient to determine the role of this variant in disease. Therefore, it has been classified as a Variant of Uncertain Significance. Advanced modeling of protein sequence and biophysical properties (such as structural, functional, and spatial information, amino acid conservation, physicochemical variation, residue mobility, and thermodynamic stability) performed at Invitae indicates that this missense variant is not expected to disrupt RAI1 protein function. This variant has not been reported in the literature in individuals affected with RAI1-related conditions. This variant is present in population databases (rs768100354, gnomAD 0.003%). This sequence change replaces glycine, which is neutral and non-polar, with serine, which is neutral and polar, at codon 792 of the RAI1 protein (p.Gly792Ser).